The following is an entry in ClinVar:

NM_004360.5(CDH1):c.2331C>G (p.Asp777Glu)

Gene: CDH1 (cadherin 1; plus strand). Cytogenetic location: 16q22.1.
Variant type: single nucleotide variant.
Coding change: c.2331C>G on transcript NM_004360.5 (MANE Select); coding-DNA position 2331, C replaced by G.
Protein change: p.Asp777Glu; replaces aspartic acid 777 with glutamic acid.
Molecular consequence: missense variant.
Genome position (GRCh38, 1-based): chr16:68,829,689, C>G. VCF-style: chr16-68829689-C-G. GRCh37 (hg19) VCF-style: chr16-68863592-C-G.
Other names: c.2148C>G, p.Asp716Glu (NM_001317184.2); c.783C>G, p.Asp261Glu (NM_001317185.2); c.366C>G, p.Asp122Glu (NM_001317186.2); c.2331C>G (LRG_301t1); short protein forms D777E, D122E, D716E, D261E.
Identifiers: ClinVar variation 406650 (VCV000406650.19), dbSNP rs114265540, ClinGen allele CA16614996.

ClinVar aggregate classification (germline): Uncertain significance. Review status: criteria provided, multiple submitters, no conflicts (2 of 4 stars). 5 submissions from 5 submitters: Uncertain significance (5). Last evaluated 2026-07-23.

Conditions:
Hereditary diffuse gastric adenocarcinoma (HDGC). Also called: DIFFUSE GASTRIC AND LOBULAR BREAST CANCER SYNDROME. Identifiers: Orphanet 26106, MedGen C1708349, MONDO:0007648, OMIM 137215.
Hereditary cancer-predisposing syndrome. Also called: Neoplastic Syndromes, Hereditary; Hereditary Cancer Syndrome; Tumor predisposition; Hereditary neoplastic syndrome. Identifiers: Orphanet 140162, MedGen C0027672, MeSH D009386, MONDO:0015356.
Familial cancer of breast. Also called: BREAST CANCER, FAMILIAL; hereditary breast carcinoma; Hereditary breast cancer. Identifiers: Orphanet 227535, MedGen C0346153, MONDO:0016419, OMIM 114480. Disease mechanism: loss of function.

gnomAD v4.1: 3 of 1,614,152 alleles (0.00019%); highest among the groups gnomAD compares: Admixed American, 0.005%; no homozygotes.

Submissions (5):

Ambry Genetics
Classification: Uncertain significance for Hereditary cancer-predisposing syndrome. Last evaluated: 2026-07-23. Review status: criteria provided, single submitter. Criteria: Ambry Variant Classification Scheme 2023. Collection method: clinical testing. Allele origin: germline.
Comment: The p.D777E variant (also known as c.2331C>G), located in coding exon 15 of the CDH1 gene, results from a C to G substitution at nucleotide position 2331. The aspartic acid at codon 777 is replaced by glutamic acid, an amino acid with highly similar properties. This amino acid position is well conserved in available vertebrate species. In addition, this alteration is predicted to be tolerated by in silico analysis. Since supporting evidence is limited at this time, the clinical significance of this alteration remains unclear.

Labcorp Genetics (formerly Invitae), Labcorp
Classification: Uncertain significance for Hereditary diffuse gastric adenocarcinoma. Last evaluated: 2025-04-24. Review status: criteria provided, single submitter. Criteria: Invitae Variant Classification Sherloc (09022015). Collection method: clinical testing. Allele origin: germline.
Comment: This sequence change replaces aspartic acid, which is acidic and polar, with glutamic acid, which is acidic and polar, at codon 777 of the CDH1 protein (p.Asp777Glu). This variant is present in population databases (no rsID available, gnomAD 0.006%). This variant has not been reported in the literature in individuals affected with CDH1-related conditions. ClinVar contains an entry for this variant (Variation ID: 406650). An algorithm developed to predict the effect of missense changes on protein structure and function outputs the following: PolyPhen-2: "Possibly Damaging". The glutamic acid amino acid residue is found in multiple mammalian species, which suggests that this missense change does not adversely affect protein function. In summary, the available evidence is currently insufficient to determine the role of this variant in disease. Therefore, it has been classified as a Variant of Uncertain Significance.

Blueprint Genetics
Classification: Uncertain significance. Last evaluated: 2024-09-04. Review status: criteria provided, single submitter. Criteria: ACMG Guidelines, 2015. Collection method: clinical testing. Allele origin: germline.

Color Diagnostics, LLC DBA Color Health
Classification: Uncertain significance for Hereditary cancer-predisposing syndrome. Last evaluated: 2024-01-29. Review status: criteria provided, single submitter. Criteria: ACMG Guidelines, 2015. Collection method: clinical testing. Allele origin: germline.
Comment: This missense variant replaces aspartic acid with glutamic acid at codon 777 of the CDH1 protein. To our knowledge, functional studies have not been reported for this variant. This variant has not been reported in individuals affected with CDH1-related disorders in the literature. This variant has been identified in 2/251462 chromosomes in the general population by the Genome Aggregation Database (gnomAD). The available evidence is insufficient to determine the role of this variant in disease conclusively. Therefore, this variant is classified as a Variant of Uncertain Significance.

Baylor Genetics
Classification: Uncertain significance for Familial cancer of breast. Last evaluated: 2023-08-16. Review status: criteria provided, single submitter. Criteria: ACMG Guidelines, 2015. Collection method: clinical testing. Allele origin: unknown.